The following is an entry in ClinVar:

ClinVar aggregate classification (germline): Uncertain significance (1 of 4 stars; one submission).

Conditions:
CYP3A5-related disorder. Also called: CYP3A5-related condition.

Allele frequency attached by ClinVar (database versions not stated): gnomAD 0.00001; TOPMed 0.00002; gnomAD exomes 0.00005.
gnomAD v4.1: 60 of 1,338,058 alleles (0.0045%); highest among the groups gnomAD compares: Admixed American, 0.0099%; no homozygotes.

Submission:

PreventionGenetics, part of Exact Sciences
Classification: Uncertain significance for CYP3A5-related condition. Last evaluated: 2023-07-31. Review status: criteria provided, single submitter. Criteria: ACMG Guidelines, 2015. Collection method: clinical testing. Allele origin: germline.
Comment: The CYP3A5 c.219-235A>G variant is predicted to interfere with splicing. To our knowledge, this variant has not been reported in the literature or in a large population database, indicating this variant is rare. Although we suspect that this variant may be benign, at this time, the clinical significance of this variant is uncertain due to the absence of conclusive functional and genetic evidence.

NM_000777.5(CYP3A5):c.219-235A>G

Genes: CYP3A5 (cytochrome P450 family 3 subfamily A member 5; minus strand), ZSCAN25 (zinc finger and SCAN domain containing 25; plus strand). Cytogenetic location: 7q22.1.
Variant type: single nucleotide variant.
Coding change: c.219-235A>G on transcript NM_000777.5 (MANE Select); 235 bases into the intron before coding-DNA position 219, A replaced by G.
Molecular consequence: intron variant. On other transcripts: 5 prime UTR variant (1), non-coding transcript variant (1).
Genome position (GRCh38, 1-based): chr7:99,672,914, T>C on the plus strand (A>G on the coding strand, the complement: CYP3A5 is on the minus strand). VCF-style: chr7-99672914-T-C. GRCh37 (hg19) VCF-style: chr7-99270537-T-C.
Other names: c.-252A>G (NM_001291829.2); c.189-235A>G (NM_001291830.2); c.219-235A>G (NM_001190484.3).
Identifiers: ClinVar variation 2634597 (VCV002634597.1), dbSNP rs1811815021, ClinGen allele CA1104976217.